The following is an entry in ClinVar:

NM_000400.4(ERCC2):c.1712C>T (p.Thr571Ile)

Gene: ERCC2 (ERCC excision repair 2, TFIIH core complex helicase subunit; minus strand). Cytogenetic location: 19q13.32.
Variant type: single nucleotide variant.
Coding change: c.1712C>T on transcript NM_000400.4 (MANE Select); coding-DNA position 1712, C replaced by T.
Protein change: p.Thr571Ile; replaces threonine 571 with isoleucine.
Molecular consequence: missense variant.
Genome position (GRCh38, 1-based): chr19:45,353,288, G>A on the plus strand (C>T on the coding strand, the complement: ERCC2 is on the minus strand). VCF-style: chr19-45353288-G-A. GRCh37 (hg19) VCF-style: chr19-45856546-G-A.
Other names: short protein forms T571I.
Identifiers: ClinVar variation 2452352 (VCV002452352.2), dbSNP rs2514002720, ClinGen allele CA406364442.
Genomic context (GRCh38, chr19:45,353,288, plus strand): 5'-CCTCGCACACCCACCTCCTGGTACTTCTCCAGGGCGACACTGGTTTCGGCACCATCCTGG[G>A]TCTCAATAAAGAGCAGCTTGTTCCTCTGGATGTTCTCAAGGATCCCCTGGGGAAGGACCC-3'
Protein context (NP_000391.1, residues 561-581): IQRNKLLFIE[Thr571Ile]QDGAETSVAL

ClinVar aggregate classification (germline): Uncertain significance (1 of 4 stars; one submission).

Conditions:
Inborn genetic diseases. Identifiers: MedGen C0950123, MeSH D030342.

Submission:

Ambry Genetics
Classification: Uncertain significance for Inborn genetic diseases. Last evaluated: 2022-12-19. Review status: criteria provided, single submitter. Criteria: Ambry Variant Classification Scheme 2023. Collection method: clinical testing. Allele origin: germline.
Comment: The p.T571I variant (also known as c.1712C>T), located in coding exon 18 of the ERCC2 gene, results from a C to T substitution at nucleotide position 1712. The threonine at codon 571 is replaced by isoleucine, an amino acid with similar properties. This amino acid position is conserved. In addition, this alteration is predicted to be deleterious by in silico analysis. Since supporting evidence is limited at this time, the clinical significance of this alteration remains unclear.